The following is an entry in ClinVar:

NM_000891.3(KCNJ2):c.907G>A (p.Glu303Lys)

Gene: KCNJ2 (potassium inwardly rectifying channel subfamily J member 2; plus strand). Cytogenetic location: 17q24.3.
Variant type: single nucleotide variant.
Coding change: c.907G>A on transcript NM_000891.3 (MANE Select); coding-DNA position 907, G replaced by A.
Protein change: p.Glu303Lys; replaces glutamic acid 303 with lysine.
Molecular consequence: missense variant.
Genome position (GRCh38, 1-based): chr17:70,175,946, G>A. VCF-style: chr17-70175946-G-A. GRCh37 (hg19) VCF-style: chr17-68172087-G-A.
Other names: c.907G>A (LRG_328t1); short protein forms E303K.
Identifiers: ClinVar variation 67590 (VCV000067590.1), dbSNP rs199473386, ClinGen allele CA329708.

ClinVar aggregate classification (germline): not provided (0 of 4 stars; one submission).

Conditions:
Familial long QT syndrome (RWS). Also called: Congenital long QT syndrome; Romano-Ward syndrome; VENTRICULAR FIBRILLATION WITH PROLONGED QT INTERVAL. Identifiers: Orphanet 768, MedGen C1141890, MONDO:0019171.

Allele frequency attached by ClinVar (database versions not stated): ExAC 0.00005.

Submission:

Cardiovascular Biomedical Research Unit, Royal Brompton & Harefield NHS Foundation Trust
No classification provided. Condition: Familial long QT syndrome. Review status: no classification provided. Collection method: literature only. Allele origin: germline.
Comment: This variant has been reported in the following publications (PMID:11371347;PMID:12163457;PMID:22002906).

Literature cited by the submitters: PubMed 11371347; PubMed 12163457; PubMed 22002906; PubMed 22581653.